The following is an entry in ClinVar:

NM_020971.3(SPTBN4):c.1413C>T (p.His471=)

Gene: SPTBN4 (spectrin beta, non-erythrocytic 4; plus strand). Cytogenetic location: 19q13.2.
Variant type: single nucleotide variant.
Coding change: c.1413C>T on transcript NM_020971.3 (MANE Select); coding-DNA position 1413, C replaced by T.
Protein change: p.His471=; no amino-acid change (histidine 471 retained).
Molecular consequence: synonymous variant.
Genome position (GRCh38, 1-based): chr19:40,503,880, C>T. VCF-style: chr19-40503880-C-T. GRCh37 (hg19) VCF-style: chr19-41009787-C-T.
Identifiers: ClinVar variation 4989524 (VCV004989524.1).

ClinVar aggregate classification (germline): Likely benign (1 of 4 stars; one submission).

Conditions:
SPTBN4-related disorder. Also called: SPTBN4-related condition.

gnomAD v4.1: 63 of 1,608,088 alleles (0.0039%); highest among the groups gnomAD compares: Non-Finnish European, 0.0047%; no homozygotes.

Submission:

PreventionGenetics, part of Exact Sciences
Classification: Likely benign for SPTBN4-related condition. Last evaluated: 2026-06-15. Review status: criteria provided, single submitter. Criteria: ACMG Guidelines, 2015. Collection method: clinical testing. Allele origin: germline.
Comment: This variant is classified as likely benign based on ACMG/AMP sequence variant interpretation guidelines (Richards et al. 2015 PMID: 25741868, with internal and published modifications).